The following is an entry in ClinVar:

NM_033109.5(PNPT1):c.1920_1923del (p.Ser640fs)

Gene: PNPT1 (polyribonucleotide nucleotidyltransferase 1; minus strand). Cytogenetic location: 2p16.1.
Variant type: Deletion.
Coding change: c.1920_1923del on transcript NM_033109.5 (MANE Select); coding-DNA positions 1920 to 1923, 4 bases deleted (TCAG; older notation c.1920_1923delTCAG).
Protein change: p.Ser640fs; shifts the reading frame from serine 640.
Molecular consequence: frameshift variant.
Genome position (GRCh38, 1-based): chr2:55,643,409-55,643,412, CTGA deleted on the plus strand (TCAG on the coding strand, the reverse complement: PNPT1 is on the minus strand); deleting any 4 consecutive bases within chr2:55,643,409-55,643,414 gives the same sequence; the c. name uses the placement nearest the transcript's 3' end. VCF-style (leftmost placement, unchanged base first): chr2-55643408-CCTGA-C. GRCh37 (hg19) VCF-style: chr2-55870543-CCTGA-C.
Other names: short protein forms S640fs.
Identifiers: ClinVar variation 2095601 (VCV002095601.4), dbSNP rs1485838680, ClinGen allele CA533179886.
Genomic context (GRCh38, chr2:55,643,408, plus strand): 5'-CTCTTGCCTCATGCATAGCACTGGGTGTTGGTGCAAATACAGAAAACGTTTCTTCATCCA[CCTGA>C]CTAATAGTTACACCTTTTAAAAACAAAATGTAACATATTAAAGTTAACTTGGCTGGGCAT-3'

ClinVar aggregate classification (germline): Pathogenic (1 of 4 stars; one submission).

Submission:

Labcorp Genetics (formerly Invitae), Labcorp
Classification: Pathogenic. Last evaluated: 2022-02-09. Review status: criteria provided, single submitter. Criteria: Invitae Variant Classification Sherloc (09022015). Collection method: clinical testing. Allele origin: germline.
Comment: This sequence change creates a premature translational stop signal (p.Ser640Argfs*36) in the PNPT1 gene. It is expected to result in an absent or disrupted protein product. Loss-of-function variants in PNPT1 are known to be pathogenic (PMID: 28594066, 30244537). This variant is present in population databases (no rsID available, gnomAD 0.003%). This variant has not been reported in the literature in individuals affected with PNPT1-related conditions. For these reasons, this variant has been classified as Pathogenic.

Literature cited by the submitters: PubMed 28594066; PubMed 30244537.